The following is an entry in ClinVar:

ClinVar aggregate classification (germline): Uncertain significance (1 of 4 stars; one submission).

Allele frequency attached by ClinVar (database versions not stated): ExAC 0.00001.
gnomAD v4.1: 9 of 1,579,718 alleles (0.00057%); highest among the groups gnomAD compares: Admixed American, 0.0017%; no homozygotes.

Submission:

Labcorp Genetics (formerly Invitae), Labcorp
Classification: Uncertain significance. Last evaluated: 2023-03-23. Review status: criteria provided, single submitter. Criteria: Invitae Variant Classification Sherloc (09022015). Collection method: clinical testing. Allele origin: germline.
Comment: In summary, the available evidence is currently insufficient to determine the role of this variant in disease. Therefore, it has been classified as a Variant of Uncertain Significance. ClinVar contains an entry for this variant (Variation ID: 1917291). This variant has not been reported in the literature in individuals affected with FBN3-related conditions. This variant is present in population databases (rs773296307, gnomAD 0.002%). This sequence change creates a premature translational stop signal (p.Cys1360*) in the FBN3 gene. It is expected to result in an absent or disrupted protein product. However, the current clinical and genetic evidence is not sufficient to establish whether loss-of-function variants in FBN3 cause disease.

NM_032447.5(FBN3):c.4080C>A (p.Cys1360Ter)

Gene: FBN3 (fibrillin 3; minus strand). Cytogenetic location: 19p13.2.
Variant type: single nucleotide variant.
Coding change: c.4080C>A on transcript NM_032447.5 (MANE Select); coding-DNA position 4080, C replaced by A.
Protein change: p.Cys1360Ter; replaces cysteine 1360 with a stop codon.
Molecular consequence: nonsense.
Genome position (GRCh38, 1-based): chr19:8,111,652, G>T on the plus strand (C>A on the coding strand, the complement: FBN3 is on the minus strand). VCF-style: chr19-8111652-G-T. GRCh37 (hg19) VCF-style: chr19-8176536-G-T.
Other names: c.4080C>A, p.Cys1360Ter (NM_001321431.2); short protein forms C1360*.
Identifiers: ClinVar variation 1917291 (VCV001917291.5), dbSNP rs773296307, ClinGen allele CA9152204.